The following is an entry in ClinVar:

ClinVar aggregate classification (germline): Benign/Likely benign. Review status: criteria provided, multiple submitters, no conflicts (2 of 4 stars). 10 submissions from 10 submitters: Benign (4); Likely benign (6). Last evaluated 2026-01-31.

Conditions:
Intrauterine growth retardation, metaphyseal dysplasia, adrenal hypoplasia congenita, genital anomalies, and immunodeficiency. Also called: IMAGEI SYNDROME. Identifiers: MedGen C5193036, MONDO:0032684, OMIM 618336.
Colorectal cancer, susceptibility to, 12 (CRCS12). Also called: COLORECTAL CANCER, SUSCEPTIBILITY TO, ON CHROMOSOME 12q24. Identifiers: Orphanet 220460, MedGen C3554460, MONDO:0014038, OMIM 615083.
Facial dysmorphism-immunodeficiency-livedo-short stature syndrome. Also called: FILS syndrome; Facial dysmorphism, immunodeficiency, livedo, and short stature. Identifiers: Orphanet 352712, MedGen C3554576, MONDO:0014058, OMIM 615139.
Hereditary cancer-predisposing syndrome. Also called: Hereditary Cancer Syndrome; Neoplastic Syndromes, Hereditary; Hereditary neoplastic syndrome; Tumor predisposition. Identifiers: Orphanet 140162, MedGen C0027672, MeSH D009386, MONDO:0015356.
POLD1-related polyposis and colorectal cancer syndrome (CRCS10). Also called: COLORECTAL CANCER, SUSCEPTIBILITY TO, ON CHROMOSOME 19q; Colorectal cancer 10; Colorectal cancer, susceptibility to, 10. Identifiers: Orphanet 220460, MedGen C2675481, MONDO:0012953, OMIM 612591.

Allele frequency attached by ClinVar (database versions not stated): 1000 Genomes Project 30x 0.00094; 1000 Genomes Project 0.00120; TOPMed 0.00008; gnomAD 0.00013; gnomAD exomes 0.00019 and 0.00049; ExAC 0.00030.
gnomAD v4.1: 734 of 1,613,864 alleles (0.045%); highest among the groups gnomAD compares: East Asian, 1.6%; 11 homozygotes.

Submissions (10):

Labcorp Genetics (formerly Invitae), Labcorp
Classification: Benign. Last evaluated: 2026-01-31. Review status: criteria provided, single submitter. Criteria: Invitae Variant Classification Sherloc (09022015). Collection method: clinical testing. Allele origin: germline.

Molecular Pathology, Peter Maccallum Cancer Centre
Classification: Likely benign for POLD1-related polyposis and colorectal cancer syndrome. Last evaluated: 2024-07-31. Review status: criteria provided, single submitter. Criteria: ACMG Guidelines, 2015. Collection method: clinical testing. Allele origin: germline. Inheritance: Autosomal dominant inheritance.

Blueprint Genetics
Classification: Likely benign. Last evaluated: 2023-10-17. Review status: criteria provided, single submitter. Criteria: ACMG Guidelines, 2015. Collection method: clinical testing. Allele origin: germline.

Women's Health and Genetics/Laboratory Corporation of America, LabCorp
Classification: Benign. Last evaluated: 2023-03-17. Review status: criteria provided, single submitter. Criteria: LabCorp Variant Classification Summary - May 2015. Collection method: clinical testing. Allele origin: germline.

Genetic Services Laboratory, University of Chicago
Classification: Likely benign. Last evaluated: 2021-10-12. Review status: criteria provided, single submitter. Criteria: ACMG Guidelines, 2015. Collection method: clinical testing. Allele origin: germline. Affected: no.

Department of Pathology and Laboratory Medicine, Sinai Health System
Classification: Likely benign for Colorectal cancer, susceptibility to, 12; Facial dysmorphism-immunodeficiency-livedo-short stature syndrome; Intrauterine growth retardation, metaphyseal dysplasia, adrenal hypoplasia congenita, genital anomalies, and immunodeficiency. Last evaluated: 2021-07-27. Review status: criteria provided, single submitter. Criteria: ACMG Guidelines, 2015. Collection method: clinical testing. Allele origin: germline. Affected: yes.

Sema4
Classification: Likely benign for Hereditary cancer-predisposing syndrome. Last evaluated: 2021-02-05. Review status: criteria provided, single submitter. Criteria: Sema4 Curation Guidelines. Collection method: curation. Allele origin: germline.

GeneDx
Classification: Likely benign. Last evaluated: 2020-12-30. Review status: criteria provided, single submitter. Criteria: GeneDx Variant Classification Process June 2021. Collection method: clinical testing. Allele origin: germline. Affected: yes.
Comment: This variant is associated with the following publications: (PMID: 27217144)

Quest Diagnostics Nichols Institute San Juan Capistrano
Classification: Benign. Last evaluated: 2017-07-25. Review status: criteria provided, single submitter. Criteria: Quest Diagnostics criteria. Collection method: clinical testing. Allele origin: unknown.

Ambry Genetics
Classification: Benign for Hereditary cancer-predisposing syndrome. Last evaluated: 2015-08-21. Review status: criteria provided, single submitter. Criteria: Ambry Variant Classification Scheme 2023. Collection method: clinical testing. Allele origin: germline.

NM_006231.4(POLE):c.2935C>T (p.Leu979=)

Gene: POLE (DNA polymerase epsilon, catalytic subunit; minus strand). Cytogenetic location: 12q24.33.
Variant type: single nucleotide variant.
Coding change: c.2935C>T on transcript NM_006231.4 (MANE Select); coding-DNA position 2935, C replaced by T.
Protein change: p.Leu979=; no amino-acid change (leucine 979 retained).
Molecular consequence: synonymous variant.
Genome position (GRCh38, 1-based): chr12:132,661,094, G>A on the plus strand (C>T on the coding strand, the complement: POLE is on the minus strand). VCF-style: chr12-132661094-G-A. GRCh37 (hg19) VCF-style: chr12-133237680-G-A.
Identifiers: ClinVar variation 240450 (VCV000240450.27), dbSNP rs56081968, ClinGen allele CA6893398.
Genomic context (GRCh38, chr12:132,661,094, plus strand): 5'-GCGTGCTGCCCTTGAGGAAGGCCTCAAACACCGAGGATTGGAAGATCTTAATCAGCTGCA[G>A]TTCCCCGCGGCGTTTGACCTCAAAGCCCTTGAGCTCAGCCAGAGAACCGTCTTCATTGAA-3'
Protein context (NP_006222.2, residues 969-989): KGFEVKRRGE[Leu979=]QLIKIFQSSV